The following is an entry in ClinVar:

ClinVar aggregate classification (germline): Uncertain significance (1 of 4 stars; one submission).

Submission:

GeneDx
Classification: Uncertain significance. Last evaluated: 2024-02-22. Review status: criteria provided, single submitter. Criteria: GeneDx Variant Classification Process June 2021. Collection method: clinical testing. Allele origin: germline. Affected: yes.
Comment: Frameshift variant predicted to result in protein truncation in a gene or region of a gene for which loss of function is not a well-established mechanism of disease; Not observed at significant frequency in large population cohorts (gnomAD); Has not been previously published as pathogenic or benign to our knowledge; Variants in candidate genes are classified as variants of uncertain significance in accordance with ACMG guidelines (PMID: 25741868)

NM_017988.6(SCYL2):c.2313_2320dup (p.Asn774delinsMetAlaTer)

Gene: SCYL2 (SCY1 like pseudokinase 2; plus strand). Cytogenetic location: 12q23.1.
Variant type: Duplication.
Coding change: c.2313_2320dup on transcript NM_017988.6 (MANE Select); coding-DNA positions 2313 to 2320, 8 bases duplicated (TGGCCTAA; older notation c.2313_2320dupTGGCCTAA).
Protein change: p.Asn774delinsMetAlaTer.
Molecular consequence: nonsense.
Genome position (GRCh38, 1-based): chr12:100,338,695-100,338,702, TGGCCTAA duplicated; duplicating any 8 consecutive bases within chr12:100,338,693-100,338,702 gives the same sequence; the c. name uses the placement nearest the transcript's 3' end. VCF-style (leftmost placement, unchanged base first): chr12-100338692-A-AAATGGCCT. GRCh37 (hg19) VCF-style: chr12-100732470-A-AAATGGCCT.
Other names: c.2313_2320dup, p.Asn774delinsMetAlaTer (NM_001317784.2); c.2325_2332dup, p.Asn778delinsMetAlaTer (NM_001330253.2, NM_001330254.2); c.1806_1813dup, p.Asn605delinsMetAlaTer (NM_001330256.2).
Identifiers: ClinVar variation 3369552 (VCV003369552.1).